The following is an entry in ClinVar:

NM_002103.5(GYS1):c.1475A>T (p.Asp492Val)

Gene: GYS1 (glycogen synthase 1; minus strand). Cytogenetic location: 19q13.33.
Variant type: single nucleotide variant.
Coding change: c.1475A>T on transcript NM_002103.5 (MANE Select); coding-DNA position 1475, A replaced by T.
Protein change: p.Asp492Val; replaces aspartic acid 492 with valine.
Molecular consequence: missense variant. On other transcripts: non-coding transcript variant (1).
Genome position (GRCh38, 1-based): chr19:48,974,287, T>A on the plus strand (A>T on the coding strand, the complement: GYS1 is on the minus strand). VCF-style: chr19-48974287-T-A. GRCh37 (hg19) VCF-style: chr19-49477544-T-A.
Other names: c.1283A>T, p.Asp428Val (NM_001161587.2); short protein forms D428V, D492V.
Identifiers: ClinVar variation 938769 (VCV000938769.7), dbSNP rs949286022, ClinGen allele CA309386917.

ClinVar aggregate classification (germline): Uncertain significance (1 of 4 stars; one submission).

Conditions:
Glycogen storage disease due to muscle and heart glycogen synthase deficiency. Also called: GSD 0b; MUSCLE GLYCOGEN SYNTHASE DEFICIENCY. Identifiers: Orphanet 137625, MedGen C1969054, MONDO:0012693, OMIM 611556.

Allele frequency attached by ClinVar (database versions not stated): gnomAD 0.00001; TOPMed 0.00001; gnomAD exomes 0.00002.
gnomAD v4.1: 29 of 1,613,648 alleles (0.0018%); highest among the groups gnomAD compares: Non-Finnish European, 0.0025%; no homozygotes.

Submission:

Labcorp Genetics (formerly Invitae), Labcorp
Classification: Uncertain significance for Glycogen storage disease due to muscle and heart glycogen synthase deficiency. Last evaluated: 2021-08-26. Review status: criteria provided, single submitter. Criteria: Invitae Variant Classification Sherloc (09022015). Collection method: clinical testing. Allele origin: germline.
Comment: This sequence change replaces aspartic acid with valine at codon 492 of the GYS1 protein (p.Asp492Val). The aspartic acid residue is highly conserved and there is a large physicochemical difference between aspartic acid and valine. This variant is not present in population databases (ExAC no frequency). This variant has not been reported in the literature in individuals affected with GYS1-related conditions. Algorithms developed to predict the effect of missense changes on protein structure and function (SIFT, PolyPhen-2, Align-GVGD) all suggest that this variant is likely to be disruptive. In summary, the available evidence is currently insufficient to determine the role of this variant in disease. Therefore, it has been classified as a Variant of Uncertain Significance.